The following is an entry in ClinVar:

ClinVar aggregate classification (germline): Uncertain significance. Review status: criteria provided, multiple submitters, no conflicts (2 of 4 stars). 3 submissions from 3 submitters: Uncertain significance (3). Last evaluated 2025-04-17.

Conditions:
Hypomagnesemia, seizures, and impaired intellectual development 2. Also called: Hypomagnesemia, seizures, and intellectual disability 2. Identifiers: MedGen C5193023, MONDO:0020788, OMIM 618314.

Submissions (3):

Labcorp Genetics (formerly Invitae), Labcorp
Classification: Uncertain significance. Last evaluated: 2025-04-17. Review status: criteria provided, single submitter. Criteria: Invitae Variant Classification Sherloc (09022015). Collection method: clinical testing. Allele origin: germline.
Comment: This sequence change replaces arginine, which is basic and polar, with histidine, which is basic and polar, at codon 53 of the ATP1A1 protein (p.Arg53His). This variant is not present in population databases (gnomAD no frequency). This variant has not been reported in the literature in individuals affected with ATP1A1-related conditions. ClinVar contains an entry for this variant (Variation ID: 1334984). Invitae Evidence Modeling of protein sequence and biophysical properties (such as structural, functional, and spatial information, amino acid conservation, physicochemical variation, residue mobility, and thermodynamic stability) indicates that this missense variant is not expected to disrupt ATP1A1 protein function with a negative predictive value of 95%. In summary, the available evidence is currently insufficient to determine the role of this variant in disease. Therefore, it has been classified as a Variant of Uncertain Significance.

Neuberg Centre For Genomic Medicine, NCGM
Classification: Uncertain significance for Hypomagnesemia, seizures, and impaired intellectual development 2. Last evaluated: 2023-06-22. Review status: criteria provided, single submitter. Criteria: ACMG Guidelines, 2015. Collection method: clinical testing. Allele origin: germline. Inheritance: Autosomal dominant inheritance. Affected: yes.
Comment: The observed missense c.158G>A(p.Arg53His) variant in ATP1A1 gene has not been reported previously as a pathogenic variant nor as a benign variant, to our knowledge. This variant is absent in gnomAD Exomes. This variant has been reported to the ClinVar database as Uncertain Significance. However, no details are available for independent assessment. The amino acid Arg at position 53 is changed to a His changing protein sequence and it might alter its composition and physico-chemical properties. The amino acid change p.Arg53His in ATP1A1 is predicted as conserved by GERP++ and PhyloP across 100 vertebrates. Computational evidence (Polyphen - Benign, SIFT - Tolerated, and MutationTaster - Disease causing) predicts conflicting evidence on protein structure and function for this variant. For these reasons, this variant has been classified as Uncertain Significance.

CeGaT Center for Human Genetics Tuebingen
Classification: Uncertain significance. Last evaluated: 2021-12-01. Review status: criteria provided, single submitter. Criteria: CeGaT Center For Human Genetics Tuebingen Variant Classification Criteria Version 2. Collection method: clinical testing. Allele origin: germline. Affected: yes. Observed: 1 variant allele.

NM_000701.8(ATP1A1):c.158G>A (p.Arg53His)

Gene: ATP1A1 (ATPase Na+/K+ transporting subunit alpha 1; plus strand). Cytogenetic location: 1p13.1.
Variant type: single nucleotide variant.
Coding change: c.158G>A on transcript NM_000701.8 (MANE Select); coding-DNA position 158, G replaced by A.
Protein change: p.Arg53His; replaces arginine 53 with histidine.
Molecular consequence: missense variant.
Genome position (GRCh38, 1-based): chr1:116,384,817, G>A. VCF-style: chr1-116384817-G-A. GRCh37 (hg19) VCF-style: chr1-116927439-G-A.
Other names: c.158G>A, p.Arg53His (NM_001160233.2); c.65G>A, p.Arg22His (NM_001160234.2); short protein forms R22H, R53H.
Identifiers: ClinVar variation 1334984 (VCV001334984.40), dbSNP rs369738549, ClinGen allele CA341840513.